The following is an entry in ClinVar:

ClinVar aggregate classification (germline): Uncertain significance (1 of 4 stars; one submission).

Submission:

Ambry Genetics
Classification: Uncertain significance. Last evaluated: 2021-11-13. Review status: criteria provided, single submitter. Criteria: Ambry Variant Classification Scheme 2023. Collection method: clinical testing. Allele origin: germline.
Comment: The p.S56R variant (also known as c.168T>G), located in coding exon 3 of the RAD54L gene, results from a T to G substitution at nucleotide position 168. The serine at codon 56 is replaced by arginine, an amino acid with dissimilar properties. This amino acid position is conserved. In addition, this alteration is predicted to be tolerated by in silico analysis. Since supporting evidence is limited at this time, the clinical significance of this alteration remains unclear.

NM_003579.4(RAD54L):c.168T>G (p.Ser56Arg)

Gene: RAD54L (RAD54 like; plus strand). Cytogenetic location: 1p34.1.
Variant type: single nucleotide variant.
Coding change: c.168T>G on transcript NM_003579.4 (MANE Select); coding-DNA position 168, T replaced by G.
Protein change: p.Ser56Arg; replaces serine 56 with arginine.
Molecular consequence: missense variant. On other transcripts: 5 prime UTR variant (1).
Genome position (GRCh38, 1-based): chr1:46,250,077, T>G. VCF-style: chr1-46250077-T-G. GRCh37 (hg19) VCF-style: chr1-46715749-T-G.
Other names: c.168T>G, p.Ser56Arg (NM_001142548.2); c.-373T>G (NM_001370766.1); short protein forms S56R.
Identifiers: ClinVar variation 1778120 (VCV001778120.2), dbSNP rs2525632827, ClinGen allele CA340176187.